The following is an entry in ClinVar:

ClinVar aggregate classification (germline): Uncertain significance (1 of 4 stars; one submission).

Conditions:
PURA-related severe neonatal hypotonia-seizures-encephalopathy syndrome (NEDRIHF). Also called: NEURODEVELOPMENTAL DISORDER WITH NEONATAL RESPIRATORY INSUFFICIENCY, HYPOTONIA, AND FEEDING DIFFICULTIES; PURA-Related Neurodevelopmental Disorders. Identifiers: Orphanet 438213, Orphanet 438216, MedGen C4015357, MONDO:1060108, OMIM 616158, MONDO:0018580.

Submission:

Labcorp Genetics (formerly Invitae), Labcorp
Classification: Uncertain significance for PURA-related severe neonatal hypotonia-seizures-encephalopathy syndrome. Last evaluated: 2025-02-10. Review status: criteria provided, single submitter. Criteria: Invitae Variant Classification Sherloc (09022015). Collection method: clinical testing. Allele origin: germline.
Comment: This variant, c.114_125dup, results in the insertion of 4 amino acid(s) of the PURA protein (p.Gly39_Gly42dup), but otherwise preserves the integrity of the reading frame. The frequency data for this variant in the population databases is considered unreliable, as metrics indicate insufficient coverage at this position in the gnomAD database. This variant has not been reported in the literature in individuals affected with PURA-related conditions. Experimental studies and prediction algorithms are not available or were not evaluated, and the functional significance of this variant is currently unknown. In summary, the available evidence is currently insufficient to determine the role of this variant in disease. Therefore, it has been classified as a Variant of Uncertain Significance.

NM_005859.5(PURA):c.114_125dup (p.Gly42_Ser43insGlyGlyGlyGly)

Gene: PURA (purine rich element binding protein A; plus strand). Cytogenetic location: 5q31.3.
Variant type: Duplication.
Coding change: c.114_125dup on transcript NM_005859.5 (MANE Select); coding-DNA positions 114 to 125, 12 bases duplicated (GGGCGGCGGCGG).
Protein change: p.Gly42_Ser43insGlyGlyGlyGly.
Genome position (GRCh38, 1-based): chr5:140,114,295-140,114,306, GGGCGGCGGCGG duplicated; duplicating any 12 consecutive bases within chr5:140,114,287-140,114,306 gives the same sequence; the c. name uses the placement nearest the transcript's 3' end. VCF-style (leftmost placement, unchanged base first): chr5-140114286-T-TGGCGGCGGGGGC. GRCh37 (hg19) VCF-style: chr5-139493871-T-TGGCGGCGGGGGC.
Identifiers: ClinVar variation 4762934 (VCV004762934.1).